The following is an entry in ClinVar:

NM_152594.3(SPRED1):c.1181A>G (p.Asp394Gly)

Gene: SPRED1 (sprouty related EVH1 domain containing 1; plus strand). Cytogenetic location: 15q14.
Variant type: single nucleotide variant.
Coding change: c.1181A>G on transcript NM_152594.3 (MANE Select); coding-DNA position 1181, A replaced by G.
Protein change: p.Asp394Gly; replaces aspartic acid 394 with glycine.
Molecular consequence: missense variant.
Genome position (GRCh38, 1-based): chr15:38,351,510, A>G. VCF-style: chr15-38351510-A-G. GRCh37 (hg19) VCF-style: chr15-38643711-A-G.
Other names: c.1181A>G (NM_152594.2); short protein forms D394G.
Identifiers: ClinVar variation 3604435 (VCV003604435.3).

ClinVar aggregate classification (germline): Uncertain significance. Review status: criteria provided, multiple submitters, no conflicts (2 of 4 stars). 2 submissions from 2 submitters: Uncertain significance (2). Last evaluated 2026-05-14.

Conditions:
Cardiovascular phenotype. Identifiers: MedGen CN230736.
Legius syndrome. Identifiers: Orphanet 137605, MedGen C1969623, MONDO:0012669, OMIM 611431. Disease mechanism: loss of function.

gnomAD v4.1: 2 of 1,613,976 alleles (0.00012%); highest among the groups gnomAD compares: African/African-American, 0.0027%; no homozygotes.

Submissions (2):

Ambry Genetics
Classification: Uncertain significance for Cardiovascular phenotype. Last evaluated: 2026-05-14. Review status: criteria provided, single submitter. Criteria: Ambry Variant Classification Scheme 2023. Collection method: clinical testing. Allele origin: germline.
Comment: The p.D394G variant (also known as c.1181A>G), located in coding exon 7 of the SPRED1 gene, results from an A to G substitution at nucleotide position 1181. The aspartic acid at codon 394 is replaced by glycine, an amino acid with similar properties. This amino acid position is conserved. In addition, this alteration is predicted to be deleterious by in silico analysis. Based on the available evidence, the clinical significance of this variant remains unclear.

Labcorp Genetics (formerly Invitae), Labcorp
Classification: Uncertain significance for Legius syndrome. Last evaluated: 2024-06-12. Review status: criteria provided, single submitter. Criteria: Invitae Variant Classification Sherloc (09022015). Collection method: clinical testing. Allele origin: germline.
Comment: This sequence change replaces aspartic acid, which is acidic and polar, with glycine, which is neutral and non-polar, at codon 394 of the SPRED1 protein (p.Asp394Gly). This variant is not present in population databases (gnomAD no frequency). This variant has not been reported in the literature in individuals affected with SPRED1-related conditions. Advanced modeling of protein sequence and biophysical properties (such as structural, functional, and spatial information, amino acid conservation, physicochemical variation, residue mobility, and thermodynamic stability) performed at Invitae indicates that this missense variant is not expected to disrupt SPRED1 protein function with a negative predictive value of 80%. In summary, the available evidence is currently insufficient to determine the role of this variant in disease. Therefore, it has been classified as a Variant of Uncertain Significance.